The following is an entry in ClinVar:

ClinVar aggregate classification (germline): Uncertain significance (1 of 4 stars; one submission).

Submission:

GeneDx
Classification: Uncertain significance. Last evaluated: 2022-06-08. Review status: criteria provided, single submitter. Criteria: GeneDx Variant Classification Process June 2021. Collection method: clinical testing. Allele origin: germline. Affected: yes.
Comment: Not observed at significant frequency in large population cohorts (gnomAD); In-frame deletion of 9 amino acids and insertion of 4 amino acids in a non-repeat region; In silico analysis supports a deleterious effect on protein structure/function; Has not been previously published as pathogenic or benign to our knowledge

NM_001080517.3(SETD5):c.3922_3944delinsCATTTACG (p.Thr1308_Thr1315delinsHisLeuArg)

Gene: SETD5 (SET domain containing 5; plus strand). Cytogenetic location: 3p25.3.
Variant type: Indel.
Coding change: c.3922_3944delinsCATTTACG on transcript NM_001080517.3 (MANE Select); coding-DNA positions 3922 to 3944, ACAGACTCGTTGGCCCCATTTAC replaced by CATTTACG.
Protein change: p.Thr1308_Thr1315delinsHisLeuArg.
Molecular consequence: inframe indel.
Genome position (GRCh38, 1-based): chr3:9,475,684-9,475,706, ACAGACTCGTTGGCCCCATTTAC replaced by CATTTACG. VCF-style: chr3-9475684-ACAGACTCGTTGGCCCCATTTAC-CATTTACG. GRCh37 (hg19) VCF-style: chr3-9517368-ACAGACTCGTTGGCCCCATTTAC-CATTTACG.
Other names: c.3628_3650delinsCATTTACG, p.Thr1210_Thr1217delinsHisLeuArg (NM_001292043.2, NM_001349451.2).
Identifiers: ClinVar variation 1803640 (VCV001803640.1), dbSNP rs2473983565, ClinGen allele CA2580070740.